The following is an entry in ClinVar:

ClinVar aggregate classification (germline): Uncertain significance (1 of 4 stars; one submission).

gnomAD v4.1: 12 of 1,613,710 alleles (0.00074%); highest among the groups gnomAD compares: Non-Finnish European, 0.001%; no homozygotes.

Submission:

Labcorp Genetics (formerly Invitae), Labcorp
Classification: Uncertain significance. Last evaluated: 2023-10-05. Review status: criteria provided, single submitter. Criteria: Invitae Variant Classification Sherloc (09022015). Collection method: clinical testing. Allele origin: germline.
Comment: This sequence change replaces glycine, which is neutral and non-polar, with valine, which is neutral and non-polar, at codon 350 of the DSG1 protein (p.Gly350Val). This variant is not present in population databases (gnomAD no frequency). This variant has not been reported in the literature in individuals affected with DSG1-related conditions. Advanced modeling of protein sequence and biophysical properties (such as structural, functional, and spatial information, amino acid conservation, physicochemical variation, residue mobility, and thermodynamic stability) performed at Invitae indicates that this missense variant is not expected to disrupt DSG1 protein function. In summary, the available evidence is currently insufficient to determine the role of this variant in disease. Therefore, it has been classified as a Variant of Uncertain Significance.

NM_001942.4(DSG1):c.1049G>T (p.Gly350Val)

Gene: DSG1 (desmoglein 1; plus strand). Cytogenetic location: 18q12.1.
Variant type: single nucleotide variant.
Coding change: c.1049G>T on transcript NM_001942.4 (MANE Select); coding-DNA position 1049, G replaced by T.
Protein change: p.Gly350Val; replaces glycine 350 with valine.
Molecular consequence: missense variant.
Genome position (GRCh38, 1-based): chr18:31,336,397, G>T. VCF-style: chr18-31336397-G-T. GRCh37 (hg19) VCF-style: chr18-28916360-G-T.
Other names: short protein forms G350V.
Identifiers: ClinVar variation 3004778 (VCV003004778.3), dbSNP rs751052846, ClinGen allele CA402133110.